The following is an entry in ClinVar:

ClinVar aggregate classification (germline): Uncertain significance (1 of 4 stars; one submission).

Conditions:
Generalized epilepsy with febrile seizures plus, type 7 (GEFSP7). Also called: GEFS+, TYPE 7. Identifiers: Orphanet 36387, MedGen C2751778, MONDO:0013470, OMIM 613863.
Neuropathy, hereditary sensory and autonomic, type 2A (HSAN2A). Also called: HSAN IIA; MORVAN DISEASE; NEUROPATHY, CONGENITAL SENSORY; NEUROPATHY, HEREDITARY SENSORY RADICULAR, AUTOSOMAL RECESSIVE; NEUROPATHY, HEREDITARY SENSORY, TYPE IIA; NEUROPATHY, PROGRESSIVE SENSORY, OF CHILDREN. Identifiers: Orphanet 970, MedGen C2752089, MONDO:0024309, OMIM 201300.

Submission:

Labcorp Genetics (formerly Invitae), Labcorp
Classification: Uncertain significance for Neuropathy, hereditary sensory and autonomic, type 2A; Generalized epilepsy with febrile seizures plus, type 7. Last evaluated: 2024-09-12. Review status: criteria provided, single submitter. Criteria: Invitae Variant Classification Sherloc (09022015). Collection method: clinical testing. Allele origin: germline.
Comment: This sequence change affects codon 156 of the SCN9A mRNA. It is a 'silent' change, meaning that it does not change the encoded amino acid sequence of the SCN9A protein. It affects a nucleotide within the consensus splice site. This variant is not present in population databases (gnomAD no frequency). This variant has not been reported in the literature in individuals affected with SCN9A-related conditions. ClinVar contains an entry for this variant (Variation ID: 1923061). Algorithms developed to predict the effect of sequence changes on RNA splicing suggest that this variant may disrupt the consensus splice site. In summary, the available evidence is currently insufficient to determine the role of this variant in disease. Therefore, it has been classified as a Variant of Uncertain Significance.

NM_001365536.1(SCN9A):c.468G>A (p.Glu156=)

Gene: SCN9A (sodium voltage-gated channel alpha subunit 9; minus strand). Cytogenetic location: 2q24.3.
Variant type: single nucleotide variant.
Coding change: c.468G>A on transcript NM_001365536.1 (MANE Select); coding-DNA position 468, G replaced by A.
Protein change: p.Glu156=; no amino-acid change (glutamic acid 156 retained).
Molecular consequence: synonymous variant.
Genome position (GRCh38, 1-based): chr2:166,305,920, C>T on the plus strand (G>A on the coding strand, the complement: SCN9A is on the minus strand). VCF-style: chr2-166305920-C-T. GRCh37 (hg19) VCF-style: chr2-167162430-C-T.
Other names: c.468G>A, p.Glu156= (NM_002977.4).
Identifiers: ClinVar variation 1923061 (VCV001923061.5), dbSNP rs2468130531, ClinGen allele CA429910143.